The following is an entry in ClinVar:

ClinVar aggregate classification (germline): Uncertain significance (1 of 4 stars; one submission).

gnomAD v4.1: 1 of 1,614,154 alleles (0.000062%); highest among the groups gnomAD compares: Admixed American, 0.0017%; no homozygotes.

Submission:

GeneDx
Classification: Uncertain significance. Last evaluated: 2024-12-04. Review status: criteria provided, single submitter. Criteria: GeneDx Variant Classification Process June 2021. Collection method: clinical testing. Allele origin: germline. Affected: yes.
Comment: Not observed at significant frequency in large population cohorts (gnomAD); In silico analysis indicates that this missense variant does not alter protein structure/function; Has not been previously published as pathogenic or benign to our knowledge

NM_004999.4(MYO6):c.3788A>C (p.Gln1263Pro)

Gene: MYO6 (myosin VI; plus strand). Cytogenetic location: 6q14.1.
Variant type: single nucleotide variant.
Coding change: c.3788A>C on transcript NM_004999.4 (MANE Select); coding-DNA position 3788, A replaced by C.
Protein change: p.Gln1263Pro; replaces glutamine 1263 with proline.
Molecular consequence: missense variant. On other transcripts: non-coding transcript variant (1).
Genome position (GRCh38, 1-based): chr6:75,914,942, A>C. VCF-style: chr6-75914942-A-C. GRCh37 (hg19) VCF-style: chr6-76624659-A-C.
Other names: c.3719A>C, p.Gln1240Pro (NM_001300899.2); c.3692A>C, p.Gln1231Pro (NM_001368136.1); c.3749A>C, p.Gln1250Pro (NM_001368137.1); c.3704A>C, p.Gln1235Pro (NM_001368138.1); c.3815A>C, p.Gln1272Pro (NM_001368865.1); c.3788A>C, p.Gln1263Pro (NM_001368866.1); short protein forms Q1231P, Q1235P, Q1240P, Q1250P, Q1263P, Q1272P.
Identifiers: ClinVar variation 3901689 (VCV003901689.1).
Genomic context (GRCh38, chr6:75,914,942, plus strand): 5'-AGATCTTGCCAAGACAGTTTGAAGAAATCTGGGAACGCTGTGGAGGCATCCAGTACCTTC[A>C]GAATGCGATTGAGAGCAGACAGGCTCGGCCCACCTATGCAACAGCCATGCTGCAGAGTCT-3'
Protein context (NP_004990.3, residues 1253-1273): WERCGGIQYL[Gln1263Pro]NAIESRQARP